The following is an entry in ClinVar:

ClinVar aggregate classification (germline): Uncertain significance (1 of 4 stars; one submission).

Conditions:
CDH2-related disorder. Also called: CDH2-related condition.

Submission:

PreventionGenetics, part of Exact Sciences
Classification: Uncertain significance for CDH2-related condition. Last evaluated: 2022-10-05. Review status: criteria provided, single submitter. Criteria: ACMG Guidelines, 2015. Collection method: clinical testing. Allele origin: germline.
Comment: The CDH2 c.596G>T variant is predicted to result in the amino acid substitution p.Gly199Val. To our knowledge, this variant has not been reported in the literature or in a large population database, indicating this variant is rare. At this time, the clinical significance of this variant is uncertain due to the absence of conclusive functional and genetic evidence.

NM_001792.5(CDH2):c.596G>T (p.Gly199Val)

Gene: CDH2 (cadherin 2; minus strand). Cytogenetic location: 18q12.1.
Variant type: single nucleotide variant.
Coding change: c.596G>T on transcript NM_001792.5 (MANE Select); coding-DNA position 596, G replaced by T.
Protein change: p.Gly199Val; replaces glycine 199 with valine.
Molecular consequence: missense variant.
Genome position (GRCh38, 1-based): chr18:28,009,823, C>A on the plus strand (G>T on the coding strand, the complement: CDH2 is on the minus strand). VCF-style: chr18-28009823-C-A. GRCh37 (hg19) VCF-style: chr18-25589787-C-A.
Other names: c.503G>T, p.Gly168Val (NM_001308176.2); short protein forms G168V, G199V.
Identifiers: ClinVar variation 2637037 (VCV002637037.1), dbSNP rs2510814542, ClinGen allele CA402243607.